The following is an entry in ClinVar:

NM_004130.4(GYG1):c.491A>G (p.Gln164Arg)

Gene: GYG1 (glycogenin 1; plus strand). Cytogenetic location: 3q24.
Variant type: single nucleotide variant.
Coding change: c.491A>G on transcript NM_004130.4 (MANE Select); coding-DNA position 491, A replaced by G.
Protein change: p.Gln164Arg; replaces glutamine 164 with arginine.
Molecular consequence: missense variant.
Genome position (GRCh38, 1-based): chr3:149,009,285, A>G. VCF-style: chr3-149009285-A-G. GRCh37 (hg19) VCF-style: chr3-148727072-A-G.
Other names: c.491A>G, p.Gln164Arg (NM_001184720.2, NM_001184721.2); short protein forms Q164R.
Identifiers: ClinVar variation 2146741 (VCV002146741.4), dbSNP rs1389043812, ClinGen allele CA354904944.
Genomic context (GRCh38, chr3:149,009,285, plus strand): 5'-ATTAAACTGTCTAGAGATCTGTTAACTAATTTATATATTTTTTTCTTTTAGGTGGGGACC[A>G]AGGCATACTGAACACATTTTTTAGCAGCTGGGCAACAACAGATATCAGAAAACACCTGCC-3'
Protein context (NP_004121.2, residues 154-174): SEQGSFDGGD[Gln164Arg]GILNTFFSSW

ClinVar aggregate classification (germline): Uncertain significance (1 of 4 stars; one submission).

Conditions:
Glycogen storage disease XV (GSD15). Also called: GLYCOGENIN DEFICIENCY; GSD XV. Identifiers: Orphanet 263297, MedGen C3150754, MONDO:0013291, OMIM 613507.
Polyglucosan body myopathy type 2. Identifiers: Orphanet 456369, MedGen C4015452, MONDO:0014526, OMIM 616199.

Allele frequency attached by ClinVar (database versions not stated): gnomAD exomes below 0.00001; TOPMed 0.00001.
gnomAD v4.1: 1 of 1,612,474 alleles (0.000062%); highest among the groups gnomAD compares: Non-Finnish European, 0.000085%; no homozygotes.

Submission:

Labcorp Genetics (formerly Invitae), Labcorp
Classification: Uncertain significance for Polyglucosan body myopathy type 2; Glycogen storage disease XV. Last evaluated: 2022-08-01. Review status: criteria provided, single submitter. Criteria: Invitae Variant Classification Sherloc (09022015). Collection method: clinical testing. Allele origin: germline.
Comment: In summary, the available evidence is currently insufficient to determine the role of this variant in disease. Therefore, it has been classified as a Variant of Uncertain Significance. Algorithms developed to predict the effect of missense changes on protein structure and function (SIFT, PolyPhen-2, Align-GVGD) all suggest that this variant is likely to be disruptive. This variant has not been reported in the literature in individuals affected with GYG1-related conditions. This variant is present in population databases (no rsID available, gnomAD 0.0009%). This sequence change replaces glutamine, which is neutral and polar, with arginine, which is basic and polar, at codon 164 of the GYG1 protein (p.Gln164Arg).